The following is an entry in ClinVar:

ClinVar aggregate classification (germline): Uncertain significance (1 of 4 stars; one submission).

Allele frequency attached by ClinVar (database versions not stated): gnomAD 0.00004 and 0.00003; ExAC 0.00001; gnomAD exomes 0.00001.
gnomAD v4.1: 12 of 1,613,022 alleles (0.00074%); highest among the groups gnomAD compares: Non-Finnish European, 0.001%; no homozygotes.

Submission:

Labcorp Genetics (formerly Invitae), Labcorp
Classification: Uncertain significance. Last evaluated: 2025-11-05. Review status: criteria provided, single submitter. Criteria: Invitae Variant Classification Sherloc (09022015). Collection method: clinical testing. Allele origin: germline.
Comment: This sequence change replaces glutamine, which is neutral and polar, with histidine, which is basic and polar, at codon 358 of the CHRM2 protein (p.Gln358His). This variant is present in population databases (rs747925877, gnomAD 0.004%). This variant has not been reported in the literature in individuals affected with CHRM2-related conditions. ClinVar contains an entry for this variant (Variation ID: 1348611). An algorithm developed to predict the effect of missense changes on protein structure and function (PolyPhen-2) suggests that this variant is likely to be disruptive. In summary, the available evidence is currently insufficient to determine the role of this variant in disease. Therefore, it has been classified as a Variant of Uncertain Significance.

NM_001006630.2(CHRM2):c.1074G>C (p.Gln358His)

Genes: CHRM2 (cholinergic receptor muscarinic 2; plus strand), LOC349160 (uncharacterized LOC349160; minus strand). Cytogenetic location: 7q33.
Variant type: single nucleotide variant.
Coding change: c.1074G>C on transcript NM_001006630.2 (MANE Select); coding-DNA position 1074, G replaced by C.
Protein change: p.Gln358His; replaces glutamine 358 with histidine.
Molecular consequence: missense variant.
Genome position (GRCh38, 1-based): chr7:137,015,939, G>C. VCF-style: chr7-137015939-G-C. GRCh37 (hg19) VCF-style: chr7-136700686-G-C.
Other names: c.1074G>C, p.Gln358His (NM_000739.3, NM_001006626.3, NM_001006627.3 and 6 more transcripts); short protein forms Q358H.
Identifiers: ClinVar variation 1348611 (VCV001348611.8), dbSNP rs747925877, ClinGen allele CA4500614.
Genomic context (GRCh38, chr7:137,015,939, plus strand): 5'-CCCAACTAATACCACCGTGGAGGTAGTGGGGTCTTCAGGTCAGAATGGAGATGAAAAGCA[G>C]AATATTGTAGCCCGCAAGATTGTGAAGATGACTAAGCAGCCTGCAAAAAAGAAGCCTCCT-3'
Protein context (NP_001006631.1, residues 348-368): GSSGQNGDEK[Gln358His]NIVARKIVKM